The following is an entry in ClinVar:

ClinVar aggregate classification (germline): Uncertain significance. Review status: criteria provided, multiple submitters, no conflicts (2 of 4 stars). 2 submissions from 2 submitters: Uncertain significance (2). Last evaluated 2023-12-20.

Allele frequency attached by ClinVar (database versions not stated): ExAC 0.00002; TOPMed 0.00006; gnomAD 0.00007; ESP Exome Variant Server 0.00008; gnomAD exomes 0.00010.
gnomAD v4.1: 148 of 1,614,056 alleles (0.0092%); highest among the groups gnomAD compares: Non-Finnish European, 0.012%; no homozygotes.

Submissions (2):

Ambry Genetics
Classification: Uncertain significance. Last evaluated: 2023-12-20. Review status: criteria provided, single submitter. Criteria: Ambry Variant Classification Scheme 2023. Collection method: clinical testing. Allele origin: germline.

Labcorp Genetics (formerly Invitae), Labcorp
Classification: Uncertain significance. Last evaluated: 2022-07-11. Review status: criteria provided, single submitter. Criteria: Invitae Variant Classification Sherloc (09022015). Collection method: clinical testing. Allele origin: germline.
Comment: This sequence change replaces leucine, which is neutral and non-polar, with methionine, which is neutral and non-polar, at codon 471 of the IFNAR2 protein (p.Leu471Met). This variant is present in population databases (rs373771077, gnomAD 0.005%). This variant has not been reported in the literature in individuals affected with IFNAR2-related conditions. Algorithms developed to predict the effect of missense changes on protein structure and function output the following: SIFT: "Tolerated"; PolyPhen-2: "Possibly Damaging"; Align-GVGD: "Class C0". The methionine amino acid residue is found in multiple mammalian species, which suggests that this missense change does not adversely affect protein function. In summary, the available evidence is currently insufficient to determine the role of this variant in disease. Therefore, it has been classified as a Variant of Uncertain Significance.

NM_001289125.3(IFNAR2):c.1411C>A (p.Leu471Met)

Genes: IFNAR2 (interferon alpha and beta receptor subunit 2; plus strand), IFNAR2-IL10RB (IFNAR2-IL10RB readthrough; plus strand). Cytogenetic location: 21q22.11.
Variant type: single nucleotide variant.
Coding change: c.1411C>A on transcript NM_001289125.3 (MANE Select); coding-DNA position 1411, C replaced by A.
Protein change: p.Leu471Met; replaces leucine 471 with methionine.
Molecular consequence: missense variant. On other transcripts: 3 prime UTR variant (5), intron variant (1).
Genome position (GRCh38, 1-based): chr21:33,263,363, C>A. VCF-style: chr21-33263363-C-A. GRCh37 (hg19) VCF-style: chr21-34635668-C-A.
Other names: c.*647C>A (NM_000874.5, NM_207584.3); c.*560C>A (NM_001289126.2, NM_001289128.2); c.*786C>A (NM_001385054.1); c.1411C>A, p.Leu471Met (NM_207585.3); c.1318+93C>A (NM_001385055.1); c.1411C>A (NM_207585.1); short protein forms L471M.
Identifiers: ClinVar variation 1992124 (VCV001992124.2), dbSNP rs373771077, ClinGen allele CA10005980.